The following is an entry in ClinVar:

NM_001734.5(C1S):c.493C>T (p.His165Tyr)

Gene: C1S (complement C1s; plus strand). Cytogenetic location: 12p13.31.
Variant type: single nucleotide variant.
Coding change: c.493C>T on transcript NM_001734.5 (MANE Select); coding-DNA position 493, C replaced by T.
Protein change: p.His165Tyr; replaces histidine 165 with tyrosine.
Molecular consequence: missense variant. On other transcripts: 5 prime UTR variant (1).
Genome position (GRCh38, 1-based): chr12:7,064,368, C>T. VCF-style: chr12-7064368-C-T. GRCh37 (hg19) VCF-style: chr12-7171672-C-T.
Other names: c.-9C>T (NM_001346850.2); c.493C>T, p.His165Tyr (NM_201442.4); short protein forms H165Y.
Identifiers: ClinVar variation 3729546 (VCV003729546.2).
Genomic context (GRCh38, chr12:7,064,368, plus strand): 5'-CACTTCTGCAACAATTTCATTGGTGGTTACTTCTGCTCCTGCCCCCCGGAATATTTCCTC[C>T]ATGATGACATGAAGAATTGCGGAGGTGAGCTTGGTGTTAAGAGGGTTGCATGTTCCCTGG-3'
Protein context (NP_001725.1, residues 155-175): FCSCPPEYFL[His165Tyr]DDMKNCGVNC

ClinVar aggregate classification (germline): Uncertain significance (1 of 4 stars; one submission).

gnomAD v4.1: 5 of 1,613,968 alleles (0.00031%); highest among the groups gnomAD compares: Non-Finnish European, 0.00042%; no homozygotes.

Submission:

Labcorp Genetics (formerly Invitae), Labcorp
Classification: Uncertain significance. Last evaluated: 2025-01-29. Review status: criteria provided, single submitter. Criteria: Invitae Variant Classification Sherloc (09022015). Collection method: clinical testing. Allele origin: germline.
Comment: This sequence change replaces histidine, which is basic and polar, with tyrosine, which is neutral and polar, at codon 165 of the C1S protein (p.His165Tyr). This variant is present in population databases (no rsID available, gnomAD 0.0009%). This variant has not been reported in the literature in individuals affected with C1S-related conditions. An algorithm developed to predict the effect of missense changes on protein structure and function outputs the following: PolyPhen-2: "Benign". The tyrosine amino acid residue is found in multiple mammalian species, which suggests that this missense change does not adversely affect protein function. In summary, the available evidence is currently insufficient to determine the role of this variant in disease. Therefore, it has been classified as a Variant of Uncertain Significance.